The following is an entry in ClinVar:

ClinVar aggregate classification (germline): Pathogenic/Likely pathogenic. Review status: criteria provided, multiple submitters, no conflicts (2 of 4 stars). 4 submissions from 4 submitters: Pathogenic (3); Likely pathogenic (1). Last evaluated 2024-07-17.

Conditions:
Asphyxiating thoracic dystrophy 3. Also called: SHORT-RIB THORACIC DYSPLASIA 3 WITH OR WITHOUT POLYDACTYLY; POLYDACTYLY WITH NEONATAL CHONDRODYSTROPHY, TYPE I; SHORT-RIB THORACIC DYSPLASIA 3/6 WITH POLYDACTYLY, DIGENIC; Short rib polydactyly syndrome 2B; Saldino-Noonan Syndrome. Identifiers: Orphanet 474, Orphanet 93269, Orphanet 93270, Orphanet 93271, MedGen C0036069, MONDO:0013127, OMIM 613091.
DYNC2H1-related disorder. Also called: DYNC2H1-related condition; DYNC2H1-related disorders. Identifiers: MedGen CN378770.
Jeune thoracic dystrophy. Also called: Jeune syndrome; Infantile thoracic dystrophy; Thoracic pelvic phalangeal dystrophy; Jeune's syndrome; Chondroectodermal dysplasia-like syndrome; Short-rib thoracic dysplasia. Identifiers: Orphanet 474, MedGen C0265275, MONDO:0018770.

Allele frequency attached by ClinVar (database versions not stated): TOPMed 0.00001; gnomAD exomes 0.00002.
gnomAD v4.1: 26 of 1,602,210 alleles (0.0016%); highest among the groups gnomAD compares: Non-Finnish European, 0.0021%; no homozygotes.

Submissions (4):

Myriad Genetics, Inc.
Classification: Pathogenic for Asphyxiating thoracic dystrophy 3. Last evaluated: 2024-07-17. Review status: criteria provided, single submitter. Criteria: Myriad Autosomal Dominant, Autosomal Recessive and X-Linked Classification Criteria (2023). Collection method: clinical testing. Allele origin: unknown.
Comment: NM_001377.2(DYNC2H1):c.7435C>T(Q2479*) is expected to be pathogenic in the context of DYNC2H1-related disorders. This variant is predicted to lead to an abnormal or absent protein product due to the creation of a premature termination codon in DYNC2H1, a gene where loss-of-function variants are known to be pathogenic. Please note: this variant was assessed in the context of healthy population screening.

Fulgent Genetics
Classification: Pathogenic for Asphyxiating thoracic dystrophy 3. Last evaluated: 2024-05-26. Review status: criteria provided, single submitter. Criteria: ACMG Guidelines, 2015. Collection method: clinical testing. Allele origin: germline.

Labcorp Genetics (formerly Invitae), Labcorp
Classification: Pathogenic for Jeune thoracic dystrophy. Last evaluated: 2023-12-20. Review status: criteria provided, single submitter. Criteria: Invitae Variant Classification Sherloc (09022015). Collection method: clinical testing. Allele origin: germline.
Comment: This sequence change creates a premature translational stop signal (p.Gln2479*) in the DYNC2H1 gene. It is expected to result in an absent or disrupted protein product. Loss-of-function variants in DYNC2H1 are known to be pathogenic (PMID: 23339108, 32753734, 33755199). This variant is not present in population databases (gnomAD no frequency). This variant has not been reported in the literature in individuals affected with DYNC2H1-related conditions. ClinVar contains an entry for this variant (Variation ID: 1224315). Algorithms developed to predict the effect of sequence changes on RNA splicing suggest that this variant may disrupt the consensus splice site. For these reasons, this variant has been classified as Pathogenic.

Blueprint Genetics
Classification: Likely pathogenic for DYNC2H1-related disorders. Last evaluated: 2019-09-05. Review status: criteria provided, single submitter. Criteria: ACMG Guidelines, 2015. Collection method: clinical testing. Allele origin: germline. Affected: yes. Observed: 4 variant alleles.

Literature cited by the submitters: PubMed 23339108 (cited by Labcorp Genetics (formerly Invitae), Labcorp); PubMed 32753734 (cited by Labcorp Genetics (formerly Invitae), Labcorp); PubMed 33755199 (cited by Labcorp Genetics (formerly Invitae), Labcorp).

NM_001377.3(DYNC2H1):c.7435C>T (p.Gln2479Ter)

Gene: DYNC2H1 (dynein cytoplasmic 2 heavy chain 1; plus strand). Cytogenetic location: 11q22.3.
Variant type: single nucleotide variant.
Coding change: c.7435C>T on transcript NM_001377.3 (MANE Select); coding-DNA position 7435, C replaced by T.
Protein change: p.Gln2479Ter; replaces glutamine 2479 with a stop codon.
Molecular consequence: nonsense.
Genome position (GRCh38, 1-based): chr11:103,189,814, C>T. VCF-style: chr11-103189814-C-T. GRCh37 (hg19) VCF-style: chr11-103060543-C-T.
Other names: c.7435C>T, p.Gln2479Ter (NM_001080463.2); short protein forms Q2479*.
Identifiers: ClinVar variation 1224315 (VCV001224315.8), dbSNP rs200989423, ClinGen allele CA227405696.